The following is an entry in ClinVar:

ClinVar aggregate classification (germline): Uncertain significance (1 of 4 stars; one submission).

Submission:

Labcorp Genetics (formerly Invitae), Labcorp
Classification: Uncertain significance. Last evaluated: 2022-07-11. Review status: criteria provided, single submitter. Criteria: Invitae Variant Classification Sherloc (09022015). Collection method: clinical testing. Allele origin: germline.
Comment: This variant has not been reported in the literature in individuals affected with SZT2-related conditions. In summary, the available evidence is currently insufficient to determine the role of this variant in disease. Therefore, it has been classified as a Variant of Uncertain Significance. Algorithms developed to predict the effect of missense changes on protein structure and function are either unavailable or do not agree on the potential impact of this missense change (SIFT: "Tolerated"; PolyPhen-2: "Possibly Damaging"; Align-GVGD: "Class C0"). ClinVar contains an entry for this variant (Variation ID: 961359). This variant is not present in population databases (gnomAD no frequency). This sequence change replaces valine, which is neutral and non-polar, with isoleucine, which is neutral and non-polar, at codon 1248 of the SZT2 protein (p.Val1248Ile).

NM_001365999.1(SZT2):c.3913G>A (p.Val1305Ile)

Gene: SZT2 (SZT2 subunit of KICSTOR complex; plus strand). Cytogenetic location: 1p34.2.
Variant type: single nucleotide variant.
Coding change: c.3913G>A on transcript NM_001365999.1 (MANE Select); coding-DNA position 3913, G replaced by A.
Protein change: p.Val1305Ile; replaces valine 1305 with isoleucine.
Molecular consequence: missense variant.
Genome position (GRCh38, 1-based): chr1:43,428,112, G>A. VCF-style: chr1-43428112-G-A. GRCh37 (hg19) VCF-style: chr1-43893783-G-A.
Other names: c.3742G>A, p.Val1248Ile (NM_015284.4); short protein forms V1248I, V1305I.
Identifiers: ClinVar variation 961359 (VCV000961359.9), dbSNP rs1653403053, ClinGen allele CA340019576.